The following is an entry in ClinVar:

ClinVar aggregate classification (germline): Uncertain significance. Review status: criteria provided, single submitter (1 of 4 stars). 2 submissions from 2 submitters: Uncertain significance (1). 1 of the submissions does not count toward it. Last evaluated 2022-06-14.

Conditions:
Cholestanol storage disease (CTX). Also called: CEREBRAL CHOLESTERINOSIS; Cerebrotendinous Xanthomatosis; CTX: Cerebrotendinous xanthomatosis. Identifiers: Orphanet 909, MedGen C0238052, MONDO:0008948, OMIM 213700.

Allele frequency attached by ClinVar (database versions not stated): gnomAD exomes below 0.00001.
gnomAD v4.1: 1 of 1,614,200 alleles (0.000062%); highest among the groups gnomAD compares: Non-Finnish European, 0.000085%; no homozygotes.

Submissions (2):

Labcorp Genetics (formerly Invitae), Labcorp
Classification: Uncertain significance for Cholestanol storage disease. Last evaluated: 2022-06-14. Review status: criteria provided, single submitter. Criteria: Invitae Variant Classification Sherloc (09022015). Collection method: clinical testing. Allele origin: germline.
Comment: This sequence change replaces cysteine, which is neutral and slightly polar, with tyrosine, which is neutral and polar, at codon 476 of the CYP27A1 protein (p.Cys476Tyr). This variant is not present in population databases (gnomAD no frequency). This variant has not been reported in the literature in individuals affected with CYP27A1-related conditions. Advanced modeling of protein sequence and biophysical properties (such as structural, functional, and spatial information, amino acid conservation, physicochemical variation, residue mobility, and thermodynamic stability) performed at Invitae indicates that this missense variant is expected to disrupt CYP27A1 protein function. In summary, the available evidence is currently insufficient to determine the role of this variant in disease. Therefore, it has been classified as a Variant of Uncertain Significance.

Natera, Inc.
Classification: Uncertain significance for Cerebrotendinous xanthomatosis. Last evaluated: 2025-02-16. Review status: no assertion criteria provided. Collection method: clinical testing. Allele origin: germline. Not counted in ClinVar's aggregate classification.

NM_000784.4(CYP27A1):c.1427G>A (p.Cys476Tyr)

Gene: CYP27A1 (cytochrome P450 family 27 subfamily A member 1; plus strand). Cytogenetic location: 2q35.
Variant type: single nucleotide variant.
Coding change: c.1427G>A on transcript NM_000784.4 (MANE Select); coding-DNA position 1427, G replaced by A.
Protein change: p.Cys476Tyr; replaces cysteine 476 with tyrosine.
Molecular consequence: missense variant.
Genome position (GRCh38, 1-based): chr2:218,814,708, G>A. VCF-style: chr2-218814708-G-A. GRCh37 (hg19) VCF-style: chr2-219679431-G-A.
Other names: c.1427G>A (NM_000784.3); short protein forms C476Y.
Identifiers: ClinVar variation 1381185 (VCV001381185.4), dbSNP rs1372707807, ClinGen allele CA350595186.
Genomic context (GRCh38, chr2:218,814,708, plus strand): 5'-CTACCCCCAGGATCCAGCACCCATTTGGCTCTGTGCCCTTTGGCTATGGGGTCCGGGCCT[G>A]CCTGGGCCGCAGGATTGCAGAGCTGGAGATGCAGCTACTCCTCGCAAGGGTGAGCTGGGA-3'
Protein context (NP_000775.1, residues 466-486): SVPFGYGVRA[Cys476Tyr]LGRRIAELEM